The following is an entry in ClinVar:

ClinVar aggregate classification (germline): Uncertain significance. Review status: criteria provided, multiple submitters, no conflicts (2 of 4 stars). 2 submissions from 2 submitters: Uncertain significance (2). Last evaluated 2025-08-05.

Conditions:
Melanoma, cutaneous malignant, susceptibility to, 5. Also called: Cutaneous malignant melanoma 5. Identifiers: Orphanet 618, MedGen C2751295, MONDO:0013133, OMIM 613099.

Allele frequency attached by ClinVar (database versions not stated): ExAC 0.00001; gnomAD 0.00001; TOPMed 0.00003; 1000 Genomes Project 30x 0.00016; 1000 Genomes Project 0.00020.
gnomAD v4.1: 8 of 1,612,578 alleles (0.0005%); highest among the groups gnomAD compares: African/African-American, 0.0027%; no homozygotes.

Submissions (2):

Ambry Genetics
Classification: Uncertain significance. Last evaluated: 2025-08-05. Review status: criteria provided, single submitter. Criteria: Ambry Variant Classification Scheme 2023. Collection method: clinical testing. Allele origin: germline.

Labcorp Genetics (formerly Invitae), Labcorp
Classification: Uncertain significance for Melanoma, cutaneous malignant, susceptibility to, 5. Last evaluated: 2022-08-16. Review status: criteria provided, single submitter. Criteria: Invitae Variant Classification Sherloc (09022015). Collection method: clinical testing. Allele origin: germline.
Comment: This sequence change replaces glycine, which is neutral and non-polar, with glutamic acid, which is acidic and polar, at codon 25 of the MC1R protein (p.Gly25Glu). This variant is present in population databases (rs540424761, gnomAD 0.007%). This variant has not been reported in the literature in individuals affected with MC1R-related conditions. ClinVar contains an entry for this variant (Variation ID: 1433260). Algorithms developed to predict the effect of missense changes on protein structure and function (SIFT, PolyPhen-2, Align-GVGD) all suggest that this variant is likely to be tolerated. In summary, the available evidence is currently insufficient to determine the role of this variant in disease. Therefore, it has been classified as a Variant of Uncertain Significance.

NM_002386.4(MC1R):c.74G>A (p.Gly25Glu)

Gene: MC1R (melanocortin 1 receptor; plus strand). Cytogenetic location: 16q24.3.
Variant type: single nucleotide variant.
Coding change: c.74G>A on transcript NM_002386.4 (MANE Select); coding-DNA position 74, G replaced by A.
Protein change: p.Gly25Glu; replaces glycine 25 with glutamic acid.
Molecular consequence: missense variant.
Genome position (GRCh38, 1-based): chr16:89,919,332, G>A. VCF-style: chr16-89919332-G-A. GRCh37 (hg19) VCF-style: chr16-89985740-G-A.
Other names: c.74G>A (NM_002386.3); short protein forms G25E.
Identifiers: ClinVar variation 1433260 (VCV001433260.10), dbSNP rs540424761, ClinGen allele CA8255476.